The following is an entry in ClinVar:

ClinVar aggregate classification (germline): Uncertain significance (1 of 4 stars; one submission).

Conditions:
Cardiovascular phenotype. Identifiers: MedGen CN230736.

Allele frequency attached by ClinVar (database versions not stated): ExAC 0.00017.
gnomAD v4.1: 3 of 1,519,300 alleles (0.0002%); highest among the groups gnomAD compares: South Asian, 0.0036%; no homozygotes.

Submission:

Ambry Genetics
Classification: Uncertain significance for Cardiovascular phenotype. Last evaluated: 2022-08-30. Review status: criteria provided, single submitter. Criteria: Ambry Variant Classification Scheme 2023. Collection method: clinical testing. Allele origin: germline.
Comment: The p.A975V variant (also known as c.2924C>T), located in coding exon 1 of the ZNF469 gene, results from a C to T substitution at nucleotide position 2924. The alanine at codon 975 is replaced by valine, an amino acid with similar properties. This amino acid position is conserved. In addition, this alteration is predicted to be tolerated by in silico analysis. Since supporting evidence is limited at this time, the clinical significance of this alteration remains unclear.

NM_001367624.2(ZNF469):c.2924C>T (p.Ala975Val)

Gene: ZNF469 (zinc finger protein 469; plus strand). Cytogenetic location: 16q24.2.
Variant type: single nucleotide variant.
Coding change: c.2924C>T on transcript NM_001367624.2 (MANE Select); coding-DNA position 2924, C replaced by T.
Protein change: p.Ala975Val; replaces alanine 975 with valine.
Molecular consequence: missense variant.
Genome position (GRCh38, 1-based): chr16:88,430,394, C>T. VCF-style: chr16-88430394-C-T. GRCh37 (hg19) VCF-style: chr16-88496802-C-T.
Other names: NM_001127464.1:c.2924C>T; short protein forms A975V.
Identifiers: ClinVar variation 1797741 (VCV001797741.2), dbSNP rs746332381, ClinGen allele CA8224814.
Genomic context (GRCh38, chr16:88,430,394, plus strand): 5'-GGAAGGATCTGGACTCGGGCGGCGCAGCAGAGGGGTCGGGGTCGGGCGGCGGCGGCAGAG[C>T]CTCCGGCCTGAGGCCCCGGAGGAACGACGGTCTCGGGGAGCGGCCCCCACCCCGTCCCCG-3'
Protein context (NP_001354553.1, residues 965-985): EGSGSGGGGR[Ala975Val]SGLRPRRNDG